The following is an entry in ClinVar:

ClinVar aggregate classification (germline): Uncertain significance. Review status: criteria provided, multiple submitters, no conflicts (2 of 4 stars). 2 submissions from 2 submitters: Uncertain significance (2). Last evaluated 2025-11-10.

Conditions:
Inborn genetic diseases. Identifiers: MedGen C0950123, MeSH D030342.

Allele frequency attached by ClinVar (database versions not stated): gnomAD exomes 0.00001.
gnomAD v4.1: 10 of 1,206,650 alleles (0.00083%); highest among the groups gnomAD compares: Non-Finnish European, 0.0011%; no homozygotes.

Submissions (2):

Ambry Genetics
Classification: Uncertain significance for Inborn genetic diseases. Last evaluated: 2025-11-10. Review status: criteria provided, single submitter. Criteria: Ambry Variant Classification Scheme 2023. Collection method: clinical testing. Allele origin: germline.

Labcorp Genetics (formerly Invitae), Labcorp
Classification: Uncertain significance. Last evaluated: 2025-04-22. Review status: criteria provided, single submitter. Criteria: Invitae Variant Classification Sherloc (09022015). Collection method: clinical testing. Allele origin: germline.
Comment: This sequence change replaces serine, which is neutral and polar, with phenylalanine, which is neutral and non-polar, at codon 695 of the PHEX protein (p.Ser695Phe). This variant is not present in population databases (gnomAD no frequency). This variant has not been reported in the literature in individuals affected with PHEX-related conditions. ClinVar contains an entry for this variant (Variation ID: 1956309). Invitae Evidence Modeling of protein sequence and biophysical properties (such as structural, functional, and spatial information, amino acid conservation, physicochemical variation, residue mobility, and thermodynamic stability) indicates that this missense variant is expected to disrupt PHEX protein function with a positive predictive value of 80%. In summary, the available evidence is currently insufficient to determine the role of this variant in disease. Therefore, it has been classified as a Variant of Uncertain Significance.

NM_000444.6(PHEX):c.2084C>T (p.Ser695Phe)

Genes: PHEX (phosphate regulating endopeptidase X-linked; plus strand), PTCHD1-AS (PTCHD1 and PHEX antisense RNA; minus strand). Cytogenetic location: Xp22.11.
Variant type: single nucleotide variant.
Coding change: c.2084C>T on transcript NM_000444.6 (MANE Select); coding-DNA position 2084, C replaced by T.
Protein change: p.Ser695Phe; replaces serine 695 with phenylalanine.
Molecular consequence: missense variant. On other transcripts: intron variant (1).
Genome position (GRCh38, 1-based): chrX:22,245,346, C>T. VCF-style: chrX-22245346-C-T. GRCh37 (hg19) VCF-style: chrX-22263463-C-T.
Other names: c.2071-2505C>T (NM_001282754.2); c.2084C>T (NM_000444.4); short protein forms S695F.
Identifiers: ClinVar variation 1956309 (VCV001956309.6), dbSNP rs1020905350, ClinGen allele CA327534468.